The following is an entry in ClinVar:

NM_004519.4(KCNQ3):c.2134T>A (p.Phe712Ile)

Gene: KCNQ3 (potassium voltage-gated channel subfamily Q member 3; minus strand). Cytogenetic location: 8q24.22.
Variant type: single nucleotide variant.
Coding change: c.2134T>A on transcript NM_004519.4 (MANE Select); coding-DNA position 2134, T replaced by A.
Protein change: p.Phe712Ile; replaces phenylalanine 712 with isoleucine.
Molecular consequence: missense variant.
Genome position (GRCh38, 1-based): chr8:132,129,747, A>T on the plus strand (T>A on the coding strand, the complement: KCNQ3 is on the minus strand). VCF-style: chr8-132129747-A-T. GRCh37 (hg19) VCF-style: chr8-133141994-A-T.
Other names: c.1774T>A, p.Phe592Ile (NM_001204824.2); short protein forms F712I, F592I.
Identifiers: ClinVar variation 3002169 (VCV003002169.3), dbSNP rs2536858310, ClinGen allele CA372216806.
Genomic context (GRCh38, chr8:132,129,747, plus strand): 5'-CCTGAACCTTTCCAGAACTGGGTCCCCCTCGGGGCAGGTTCACAGGGTCATGTGCAAAAA[A>T]CCCATAGGGGCTGACTTTGTCAATGGTCACCTGGTGGAAGCTGTAGGGTGGTTCCGGGGG-3'
Protein context (NP_004510.1, residues 702-722): VTIDKVSPYG[Phe712Ile]FAHDPVNLPR

ClinVar aggregate classification (germline): Uncertain significance (1 of 4 stars; one submission).

Conditions:
Benign neonatal seizures. Also called: Benign familial neonatal seizures; Convulsions benign familial neonatal dominant form; Autosomal dominant form of benign neonatal seizures; Benign neonatal familial convulsions; Benign familial neonatal epilepsy. Identifiers: Orphanet 1949, MedGen C0220669, MONDO:0016027.

Submission:

Labcorp Genetics (formerly Invitae), Labcorp
Classification: Uncertain significance for Benign neonatal seizures. Last evaluated: 2024-02-06. Review status: criteria provided, single submitter. Criteria: Invitae Variant Classification Sherloc (09022015). Collection method: clinical testing. Allele origin: germline.
Comment: This sequence change replaces phenylalanine, which is neutral and non-polar, with isoleucine, which is neutral and non-polar, at codon 712 of the KCNQ3 protein (p.Phe712Ile). This variant is not present in population databases (gnomAD no frequency). This variant has not been reported in the literature in individuals affected with KCNQ3-related conditions. Advanced modeling of protein sequence and biophysical properties (such as structural, functional, and spatial information, amino acid conservation, physicochemical variation, residue mobility, and thermodynamic stability) performed at Invitae indicates that this missense variant is not expected to disrupt KCNQ3 protein function with a negative predictive value of 95%. In summary, the available evidence is currently insufficient to determine the role of this variant in disease. Therefore, it has been classified as a Variant of Uncertain Significance.